The following is an entry in ClinVar:

ClinVar aggregate classification (germline): Uncertain significance. Review status: criteria provided, multiple submitters, no conflicts (2 of 4 stars). 2 submissions from 2 submitters: Uncertain significance (2). Last evaluated 2025-11-09.

Conditions:
Duchenne muscular dystrophy (DMD). Also called: MUSCULAR DYSTROPHY, PSEUDOHYPERTROPHIC PROGRESSIVE, DUCHENNE TYPE; Duchenne Muscular Dystrophy (DMD). Identifiers: Orphanet 98896, MedGen C0013264, MONDO:0010679, OMIM 310200.

gnomAD v4.1: 2 of 1,209,590 alleles (0.00017%); highest among the groups gnomAD compares: African/African-American, 0.0035%; no homozygotes.

Submissions (2):

Labcorp Genetics (formerly Invitae), Labcorp
Classification: Uncertain significance for Duchenne muscular dystrophy. Last evaluated: 2025-11-09. Review status: criteria provided, single submitter. Criteria: Invitae Variant Classification Sherloc (09022015). Collection method: clinical testing. Allele origin: germline.
Comment: This sequence change replaces glutamic acid, which is acidic and polar, with lysine, which is basic and polar, at codon 2910 of the DMD protein (p.Glu2910Lys). This variant is not present in population databases (gnomAD no frequency). This variant has not been reported in the literature in individuals affected with DMD-related conditions. ClinVar contains an entry for this variant (Variation ID: 3708835). Invitae Evidence Modeling of protein sequence and biophysical properties (such as structural, functional, and spatial information, amino acid conservation, physicochemical variation, residue mobility, and thermodynamic stability) indicates that this missense variant is not expected to disrupt DMD protein function with a negative predictive value of 95%. In summary, the available evidence is currently insufficient to determine the role of this variant in disease. Therefore, it has been classified as a Variant of Uncertain Significance.

GeneDx
Classification: Uncertain significance. Last evaluated: 2025-04-16. Review status: criteria provided, single submitter. Criteria: GeneDx Variant Classification Process June 2021. Collection method: clinical testing. Allele origin: germline. Affected: yes.
Comment: Not observed at significant frequency in large population cohorts (gnomAD); In silico analysis indicates that this missense variant does not alter protein structure/function; Has not been previously published as pathogenic or benign to our knowledge

NM_004006.3(DMD):c.8728G>A (p.Glu2910Lys)

Gene: DMD (dystrophin; minus strand). Cytogenetic location: Xp21.2.
Variant type: single nucleotide variant.
Coding change: c.8728G>A on transcript NM_004006.3 (MANE Select); coding-DNA position 8728, G replaced by A.
Protein change: p.Glu2910Lys; replaces glutamic acid 2910 with lysine.
Molecular consequence: missense variant.
Genome position (GRCh38, 1-based): chrX:31,478,315, C>T on the plus strand (G>A on the coding strand, the complement: DMD is on the minus strand). VCF-style: chrX-31478315-C-T. GRCh37 (hg19) VCF-style: chrX-31496432-C-T.
Other names: c.8704G>A, p.Glu2902Lys (NM_000109.4); c.8716G>A, p.Glu2906Lys (NM_004009.3); c.8359G>A, p.Glu2787Lys (NM_004010.3); c.4705G>A, p.Glu1569Lys (NM_004011.4); c.4696G>A, p.Glu1566Lys (NM_004012.4); c.1348G>A, p.Glu450Lys (NM_004013.3, NM_004020.4, NM_004021.3 and 2 more transcripts); c.541G>A, p.Glu181Lys (NM_004014.3); short protein forms E1566K, E2902K, E2910K, E2787K, E1569K, E181K, E2906K, E450K.
Identifiers: ClinVar variation 3708835 (VCV003708835.3).